The following is an entry in ClinVar:

NM_030665.4(RAI1):c.4256C>T (p.Ser1419Phe)

Gene: RAI1 (retinoic acid induced 1; plus strand). Cytogenetic location: 17p11.2.
Variant type: single nucleotide variant.
Coding change: c.4256C>T on transcript NM_030665.4 (MANE Select); coding-DNA position 4256, C replaced by T.
Protein change: p.Ser1419Phe; replaces serine 1419 with phenylalanine.
Molecular consequence: missense variant.
Genome position (GRCh38, 1-based): chr17:17,797,204, C>T. VCF-style: chr17-17797204-C-T. GRCh37 (hg19) VCF-style: chr17-17700518-C-T.
Other names: short protein forms S1419F.
Identifiers: ClinVar variation 3693820 (VCV003693820.2).
Genomic context (GRCh38, chr17:17,797,204, plus strand): 5'-TATGCAGAAATCCAACCAACAGATCCTTAAAAGGCAAACTCATGAACAGTAAGAAACTGT[C>T]TTCTACTGACTGTTTCAAAACCGAGGCCTTCACATCCCCGGAGGCCCTGCAGCCTGGGGG-3'
Protein context (NP_109590.3, residues 1409-1429): KGKLMNSKKL[Ser1419Phe]STDCFKTEAF

ClinVar aggregate classification (germline): Uncertain significance (1 of 4 stars; one submission).

gnomAD v4.1: 2 of 1,613,852 alleles (0.00012%); highest among the groups gnomAD compares: East Asian, 0.0022%; no homozygotes.

Submission:

Labcorp Genetics (formerly Invitae), Labcorp
Classification: Uncertain significance. Last evaluated: 2024-10-28. Review status: criteria provided, single submitter. Criteria: Invitae Variant Classification Sherloc (09022015). Collection method: clinical testing. Allele origin: germline.
Comment: This sequence change replaces serine, which is neutral and polar, with phenylalanine, which is neutral and non-polar, at codon 1419 of the RAI1 protein (p.Ser1419Phe). This variant is not present in population databases (gnomAD no frequency). This variant has not been reported in the literature in individuals affected with RAI1-related conditions. Invitae Evidence Modeling of protein sequence and biophysical properties (such as structural, functional, and spatial information, amino acid conservation, physicochemical variation, residue mobility, and thermodynamic stability) has been performed for this missense variant. However, the output from this modeling did not meet the statistical confidence thresholds required to predict the impact of this variant on RAI1 protein function. In summary, the available evidence is currently insufficient to determine the role of this variant in disease. Therefore, it has been classified as a Variant of Uncertain Significance.